The following is an entry in ClinVar:

ClinVar aggregate classification (germline): Uncertain significance (1 of 4 stars; one submission).

Conditions:
Familial adenomatous polyposis 1 (FAP1). Also called: FAMILIAL ADENOMATOUS POLYPOSIS 1, ATTENUATED; POLYPOSIS, ADENOMATOUS INTESTINAL. Identifiers: MedGen C2713442, MONDO:0021056, OMIM 175100. Disease mechanism: loss of function.

Submission:

Labcorp Genetics (formerly Invitae), Labcorp
Classification: Uncertain significance for Familial adenomatous polyposis 1. Last evaluated: 2022-10-04. Review status: criteria provided, single submitter. Criteria: Invitae Variant Classification Sherloc (09022015). Collection method: clinical testing. Allele origin: germline.
Comment: This variant has not been reported in the literature in individuals affected with APC-related conditions. ClinVar contains an entry for this variant (Variation ID: 411561). Advanced modeling of protein sequence and biophysical properties (such as structural, functional, and spatial information, amino acid conservation, physicochemical variation, residue mobility, and thermodynamic stability) performed at Invitae indicates that this missense variant is not expected to disrupt APC protein function. In summary, the available evidence is currently insufficient to determine the role of this variant in disease. Therefore, it has been classified as a Variant of Uncertain Significance. This sequence change replaces glutamic acid, which is acidic and polar, with glutamine, which is neutral and polar, at codon 1145 of the APC protein (p.Glu1145Gln). This variant is not present in population databases (gnomAD no frequency).

NM_000038.6(APC):c.3433G>C (p.Glu1145Gln)

Gene: APC (APC regulator of Wnt signaling pathway; plus strand). Cytogenetic location: 5q22.2.
Variant type: single nucleotide variant.
Coding change: c.3433G>C on transcript NM_000038.6 (MANE Select); coding-DNA position 3433, G replaced by C.
Protein change: p.Glu1145Gln; replaces glutamic acid 1145 with glutamine.
Molecular consequence: missense variant.
Genome position (GRCh38, 1-based): chr5:112,839,027, G>C. VCF-style: chr5-112839027-G-C. GRCh37 (hg19) VCF-style: chr5-112174724-G-C.
Other names: c.3433G>C, p.Glu1145Gln (NM_001127510.3, NM_001354895.2); c.3379G>C, p.Glu1127Gln (NM_001127511.3); c.3487G>C, p.Glu1163Gln (NM_001354896.2); c.3463G>C, p.Glu1155Gln (NM_001354897.2); c.3358G>C, p.Glu1120Gln (NM_001354898.2); c.3349G>C, p.Glu1117Gln (NM_001354899.2); c.3310G>C, p.Glu1104Gln (NM_001354900.2); c.3256G>C, p.Glu1086Gln (NM_001354901.2); and 5 more; short protein forms E1145Q, E1127Q, E1086Q, E862Q, E985Q, E1019Q, E1117Q, E1155Q.
Identifiers: ClinVar variation 411561 (VCV000411561.10), dbSNP rs1060503375, ClinGen allele CA16028859.
Genomic context (GRCh38, chr5:112,839,027, plus strand): 5'-GTAAGCCAGTCTTTGTGTCAAGAAGATGACTATGAAGATGATAAGCCTACCAATTATAGT[G>C]AACGTTACTCTGAAGAAGAACAGCATGAAGAAGAAGAGAGACCAACAAATTATAGCATAA-3'
Protein context (NP_000029.2, residues 1135-1155): YEDDKPTNYS[Glu1145Gln]RYSEEEQHEE